The following is an entry in ClinVar:

ClinVar aggregate classification (germline): Conflicting classifications of pathogenicity. Review status: criteria provided, conflicting classifications (1 of 4 stars). 3 submissions from 3 submitters: Uncertain significance (2); Likely benign (1). Last evaluated 2025-09-17.

Conditions:
Bethlem myopathy 1A. Also called: MYOPATHY, BENIGN CONGENITAL, WITH CONTRACTURES; Bethlem Muscular Dystrophy; Bethlem myopathy 1. Identifiers: Orphanet 610, MedGen CN029274, MONDO:0024530, OMIM 158810.

Allele frequency attached by ClinVar (database versions not stated): gnomAD exomes 0.00001 and 0.00002; ExAC 0.00003; gnomAD 0.00004 and 0.00005; TOPMed 0.00005; ESP Exome Variant Server 0.00008.
gnomAD v4.1: 23 of 1,612,530 alleles (0.0014%); highest among the groups gnomAD compares: African/African-American, 0.013%; no homozygotes.

Submissions (3):

Labcorp Genetics (formerly Invitae), Labcorp
Classification: Likely benign for Bethlem myopathy 1A. Last evaluated: 2025-09-17. Review status: criteria provided, single submitter. Criteria: Invitae Variant Classification Sherloc (09022015). Collection method: clinical testing. Allele origin: germline.

Revvity Omics, Revvity
Classification: Uncertain significance. Last evaluated: 2025-03-18. Review status: criteria provided, single submitter. Criteria: ACMG Guidelines, 2015. Collection method: clinical testing. Allele origin: germline.

GeneDx
Classification: Uncertain significance. Last evaluated: 2019-10-24. Review status: criteria provided, single submitter. Criteria: GeneDx Variant Classification Process June 2021. Collection method: clinical testing. Allele origin: germline. Affected: yes.
Comment: In silico analysis, which includes protein predictors and evolutionary conservation, supports a deleterious effect; Reported previously in a patient with leg weakness and atrophy with sparing of the quadriceps, bilateral foot drop, scapular winging, hand weakness and atrophy, abnormal EMG, and severe contractures. This variant is associated with the following publications: (PMID: 29406958)

NM_001849.4(COL6A2):c.1138C>T (p.Arg380Cys)

Gene: COL6A2 (collagen type VI alpha 2 chain; plus strand). Cytogenetic location: 21q22.3.
Variant type: single nucleotide variant.
Coding change: c.1138C>T on transcript NM_001849.4 (MANE Select); coding-DNA position 1138, C replaced by T.
Protein change: p.Arg380Cys; replaces arginine 380 with cysteine.
Molecular consequence: missense variant.
Genome position (GRCh38, 1-based): chr21:46,118,635, C>T. VCF-style: chr21-46118635-C-T. GRCh37 (hg19) VCF-style: chr21-47538549-C-T.
Other names: c.1138C>T, p.Arg380Cys (NM_058174.3, NM_058175.3); short protein forms R380C.
Identifiers: ClinVar variation 542974 (VCV000542974.13), dbSNP rs142880107, ClinGen allele CA10071717.
Genomic context (GRCh38, chr21:46,118,635, plus strand): 5'-TGCCAAAAGACGTGAGGCTGATTCTGCAAACCCTTCCAGGGGGACCCTGGCCGCCCAGGA[C>T]GCAGAGGGCCCCCGGGAGAAATCGGGGCCAAGGGAAGCAAGGTGAGCCCCTCTGCCTCTT-3'
Protein context (NP_001840.3, residues 370-390): GGKGDPGRPG[Arg380Cys]RGPPGEIGAK